The following is an entry in ClinVar:

ClinVar aggregate classification (germline): Uncertain significance (1 of 4 stars; one submission).

Conditions:
Hereditary cancer-predisposing syndrome. Also called: Hereditary neoplastic syndrome; Neoplastic Syndromes, Hereditary; Tumor predisposition; Hereditary Cancer Syndrome. Identifiers: Orphanet 140162, MedGen C0027672, MeSH D009386, MONDO:0015356.

Submission:

Ambry Genetics
Classification: Uncertain significance for Hereditary cancer-predisposing syndrome. Last evaluated: 2025-02-20. Review status: criteria provided, single submitter. Criteria: Ambry Variant Classification Scheme 2023. Collection method: clinical testing. Allele origin: germline.
Comment: The p.S393C variant (also known as c.1178C>G), located in coding exon 8 of the CTNNA1 gene, results from a C to G substitution at nucleotide position 1178. The serine at codon 393 is replaced by cysteine, an amino acid with dissimilar properties. This amino acid position is conserved. In addition, the in silico prediction for this alteration is inconclusive. Based on the available evidence, the clinical significance of this variant remains unclear.

NM_001903.5(CTNNA1):c.1178C>G (p.Ser393Cys)

Gene: CTNNA1 (catenin alpha 1; plus strand). Cytogenetic location: 5q31.2.
Variant type: single nucleotide variant.
Coding change: c.1178C>G on transcript NM_001903.5 (MANE Select); coding-DNA position 1178, C replaced by G.
Protein change: p.Ser393Cys; replaces serine 393 with cysteine.
Molecular consequence: missense variant. On other transcripts: 5 prime UTR variant (5), intron variant (2).
Genome position (GRCh38, 1-based): chr5:138,887,524, C>G. VCF-style: chr5-138887524-C-G. GRCh37 (hg19) VCF-style: chr5-138223213-C-G.
Other names: c.68C>G, p.Ser23Cys (NM_001323998.1, NM_001323999.1, NM_001324000.1 and 18 more transcripts); c.-330C>G (NM_001324006.1, NM_001324007.1, NM_001324008.1 and 1 more transcripts); c.-205C>G (NM_001324013.1); c.-58+11927C>G (NM_001324012.1); c.-61+11927C>G (NM_001324010.1); c.1178C>G, p.Ser393Cys (NM_001290307.3, NM_001323982.2, NM_001323983.1 and 3 more transcripts); c.869C>G, p.Ser290Cys (NM_001290309.3); c.809C>G, p.Ser270Cys (NM_001290310.3); short protein forms S23C, S270C, S290C, S393C.
Identifiers: ClinVar variation 3837149 (VCV003837149.1).
Genomic context (GRCh38, chr5:138,887,524, plus strand): 5'-TCAAATTTTTACAATTTAATCATTAGCTCCGCAAAGCTGTCATGGACCACGTTTCAGATT[C>G]TTTCCTGGAAACCAATGTTCCACTTTTGGTATTGATTGAAGCTGCAAAGAATGGAAATGA-3'
Protein context (NP_001894.2, residues 383-403): RKAVMDHVSD[Ser393Cys]FLETNVPLLV